The following is an entry in ClinVar:

NM_001372.4(DNAH9):c.6082C>T (p.Gln2028Ter)

Gene: DNAH9 (dynein axonemal heavy chain 9; plus strand). Cytogenetic location: 17p12.
Variant type: single nucleotide variant.
Coding change: c.6082C>T on transcript NM_001372.4 (MANE Select); coding-DNA position 6082, C replaced by T.
Protein change: p.Gln2028Ter; replaces glutamine 2028 with a stop codon.
Molecular consequence: nonsense.
Genome position (GRCh38, 1-based): chr17:11,742,284, C>T. VCF-style: chr17-11742284-C-T. GRCh37 (hg19) VCF-style: chr17-11645601-C-T.
Other names: short protein forms Q2028*.
Identifiers: ClinVar variation 3625548 (VCV003625548.2).

ClinVar aggregate classification (germline): Pathogenic (1 of 4 stars; one submission).

gnomAD v4.1: 8 of 1,613,958 alleles (0.0005%); highest among the groups gnomAD compares: Admixed American, 0.0017%; no homozygotes.

Submission:

Labcorp Genetics (formerly Invitae), Labcorp
Classification: Pathogenic. Last evaluated: 2024-09-16. Review status: criteria provided, single submitter. Criteria: Invitae Variant Classification Sherloc (09022015). Collection method: clinical testing. Allele origin: germline.
Comment: This sequence change creates a premature translational stop signal (p.Gln2028*) in the DNAH9 gene. It is expected to result in an absent or disrupted protein product. Loss-of-function variants in DNAH9 are known to be pathogenic (PMID: 30471718). This variant is not present in population databases (gnomAD no frequency). This variant has not been reported in the literature in individuals affected with DNAH9-related conditions. Algorithms developed to predict the effect of sequence changes on RNA splicing suggest that this variant may disrupt the consensus splice site. For these reasons, this variant has been classified as Pathogenic.

Literature cited by the submitters: PubMed 30471718.